The following is an entry in ClinVar:

ClinVar aggregate classification (germline): Pathogenic. Review status: criteria provided, multiple submitters, no conflicts (2 of 4 stars). 6 submissions from 6 submitters: Pathogenic (6). Last evaluated 2026-08-01.

Conditions:
Familial cancer of breast. Also called: Hereditary breast cancer; hereditary breast carcinoma; BREAST CANCER, FAMILIAL. Identifiers: Orphanet 227535, MedGen C0346153, MONDO:0016419, OMIM 114480. Disease mechanism: loss of function.
Hereditary cancer-predisposing syndrome. Also called: Hereditary Cancer Syndrome; Neoplastic Syndromes, Hereditary; Hereditary neoplastic syndrome; Tumor predisposition. Identifiers: Orphanet 140162, MedGen C0027672, MeSH D009386, MONDO:0015356.

Submissions (6):

CeGaT Center for Human Genetics Tuebingen
Classification: Pathogenic. Last evaluated: 2026-08-01. Review status: criteria provided, single submitter. Criteria: CeGaT Center For Human Genetics Tuebingen Variant Classification Criteria Version 2. Collection method: clinical testing. Allele origin: germline. Affected: yes. Observed: 1 variant allele.
Comment: PALB2: PVS1, PM2, PS4:Moderate

Myriad Genetics, Inc.
Classification: Pathogenic for Familial cancer of breast. Last evaluated: 2023-09-11. Review status: criteria provided, single submitter. Criteria: Myriad Autosomal Dominant, Autosomal Recessive and X-Linked Classification Criteria (2023). Collection method: clinical testing. Allele origin: unknown.
Comment: This variant is considered pathogenic. This variant creates a frameshift predicted to result in premature protein truncation.

Ambry Genetics
Classification: Pathogenic for Hereditary cancer-predisposing syndrome. Last evaluated: 2023-07-25. Review status: criteria provided, single submitter. Criteria: Ambry Variant Classification Scheme 2023. Collection method: clinical testing. Allele origin: germline.
Comment: The c.1789delA pathogenic mutation, located in coding exon 5 of the PALB2 gene, results from a deletion of one nucleotide at nucleotide position 1789, causing a translational frameshift with a predicted alternate stop codon (p.M597Cfs*2). This variant is considered to be rare based on population cohorts in the Genome Aggregation Database (gnomAD). This alteration is expected to result in loss of function by premature protein truncation or nonsense-mediated mRNA decay. As such, this alteration is interpreted as a disease-causing mutation.

Labcorp Genetics (formerly Invitae), Labcorp
Classification: Pathogenic for Familial cancer of breast. Last evaluated: 2023-07-16. Review status: criteria provided, single submitter. Criteria: Invitae Variant Classification Sherloc (09022015). Collection method: clinical testing. Allele origin: germline.
Comment: For these reasons, this variant has been classified as Pathogenic. ClinVar contains an entry for this variant (Variation ID: 545769). This variant is also known as c.1789delA (p.M597fs). This premature translational stop signal has been observed in individual(s) with breast cancer (PMID: 28724667, 29752822). This variant is not present in population databases (gnomAD no frequency). This sequence change creates a premature translational stop signal (p.Met597Cysfs*2) in the PALB2 gene. It is expected to result in an absent or disrupted protein product. Loss-of-function variants in PALB2 are known to be pathogenic (PMID: 17200668, 17200671, 17200672, 24136930, 25099575).

Color Diagnostics, LLC DBA Color Health
Classification: Pathogenic for Hereditary cancer-predisposing syndrome. Last evaluated: 2023-01-03. Review status: criteria provided, single submitter. Criteria: ACMG Guidelines, 2015. Collection method: clinical testing. Allele origin: germline.
Comment: This variant deletes 1 nucleotide in exon 5 of the PALB2 gene, creating a frameshift and premature translation stop signal. This variant is expected to result in an absent or non-functional protein product. This variant has been detected in at least one individual affected with breast cancer (PMID: 28724667, 29752822, 31742824). This variant has not been identified in the general population by the Genome Aggregation Database (gnomAD). Loss of PALB2 function is a known mechanism of disease. Based on the available evidence, this variant is classified as Pathogenic.

GeneDx
Classification: Pathogenic. Last evaluated: 2020-04-01. Review status: criteria provided, single submitter. Criteria: GeneDx Variant Classification Process June 2021. Collection method: clinical testing. Allele origin: germline. Affected: yes.
Comment: Frameshift variant predicted to result in protein truncation or nonsense mediated decay in a gene for which loss-of-function is a known mechanism of disease; Not observed in large population cohorts (Lek 2016); This variant is associated with the following publications: (PMID: 28724667, 29752822, 31742824)

Literature cited by the submitters: PubMed 28724667 (cited by Labcorp Genetics (formerly Invitae), Labcorp and Color Diagnostics, LLC DBA Color Health); PubMed 29752822 (cited by Labcorp Genetics (formerly Invitae), Labcorp and Color Diagnostics, LLC DBA Color Health); PubMed 17200668 (cited by Labcorp Genetics (formerly Invitae), Labcorp); PubMed 17200671 (cited by Labcorp Genetics (formerly Invitae), Labcorp); PubMed 17200672 (cited by Labcorp Genetics (formerly Invitae), Labcorp); PubMed 24136930 (cited by Labcorp Genetics (formerly Invitae), Labcorp); PubMed 25099575 (cited by Labcorp Genetics (formerly Invitae), Labcorp); PubMed 31742824 (cited by Color Diagnostics, LLC DBA Color Health).

NM_024675.4(PALB2):c.1789del (p.Met597fs)

Gene: PALB2 (partner and localizer of BRCA2; minus strand). Cytogenetic location: 16p12.2.
Variant type: Deletion.
Coding change: c.1789del on transcript NM_024675.4 (MANE Select); coding-DNA position 1789, one base deleted (A; older notation c.1789delA).
Protein change: p.Met597fs; shifts the reading frame from methionine 597.
Molecular consequence: frameshift variant.
Genome position (GRCh38, 1-based): chr16:23,630,365, T deleted on the plus strand (A on the coding strand, the reverse complement: PALB2 is on the minus strand); the first of 2 consecutive T bases (chr16:23,630,365-23,630,366); deleting either gives the same sequence. VCF-style (leftmost placement, unchanged base first): chr16-23630364-AT-A. GRCh37 (hg19) VCF-style: chr16-23641685-AT-A.
Other names: c.1789delA (NM_024675.3); short protein forms M597fs.
Identifiers: ClinVar variation 545769 (VCV000545769.19), dbSNP rs1555460650, ClinGen allele CA658823896.